The following is an entry in ClinVar:

NM_003722.5(TP63):c.2032G>A (p.Glu678Lys)

Gene: TP63 (tumor protein p63; plus strand). Cytogenetic location: 3q28.
Variant type: single nucleotide variant.
Coding change: c.2032G>A on transcript NM_003722.5 (MANE Select); coding-DNA position 2032, G replaced by A.
Protein change: p.Glu678Lys; replaces glutamic acid 678 with lysine.
Molecular consequence: missense variant. On other transcripts: 3 prime UTR variant (6).
Genome position (GRCh38, 1-based): chr3:189,894,491, G>A. VCF-style: chr3-189894491-G-A. GRCh37 (hg19) VCF-style: chr3-189612280-G-A.
Other names: c.*270G>A (NM_001114978.2, NM_001114981.2); c.1750G>A, p.Glu584Lys (NM_001114980.2); c.*260G>A (NM_001329144.2, NM_001329145.2, NM_001329149.2 and 1 more transcripts); c.1495G>A, p.Glu499Lys (NM_001329146.2); c.2020G>A, p.Glu674Lys (NM_001329148.2); c.2026G>A, p.Glu676Lys (NM_001329964.2); short protein forms E499K, E584K, E674K, E676K, E678K.
Identifiers: ClinVar variation 3383442 (VCV003383442.1).

ClinVar aggregate classification (germline): Uncertain significance (1 of 4 stars; one submission).

Submission:

GeneDx
Classification: Uncertain significance. Last evaluated: 2024-05-28. Review status: criteria provided, single submitter. Criteria: GeneDx Variant Classification Process June 2021. Collection method: clinical testing. Allele origin: germline. Affected: yes.
Comment: Not observed at significant frequency in large population cohorts (gnomAD); In silico analysis indicates that this missense variant does not alter protein structure/function; Has not been previously published as pathogenic or benign to our knowledge; This variant is associated with the following publications: (PMID: 29339502, 12037717)